The following is an entry in ClinVar:

ClinVar aggregate classification (germline): Pathogenic. Review status: criteria provided, multiple submitters, no conflicts (2 of 4 stars). 2 submissions from 2 submitters: Pathogenic (2). Last evaluated 2022-07-22.

Conditions:
Fabry disease. Also called: Fabry's disease; Ceramide trihexosidosis; Angiokeratoma corporis diffusum; ALPHA-GALACTOSIDASE A DEFICIENCY; ANDERSON-FABRY DISEASE; CERAMIDE TRIHEXOSIDASE DEFICIENCY. Identifiers: Orphanet 324, MedGen C0002986, MONDO:0010526, OMIM 301500, HP:0001071. Disease mechanism: Fabry disease is due to inactivating mutations in the X-linked GLA gene resulting in deficiency of the enzyme Alpha Galactosidase-A., loss of function.

Submissions (2):

Labcorp Genetics (formerly Invitae), Labcorp
Classification: Pathogenic for Fabry disease. Last evaluated: 2022-07-22. Review status: criteria provided, single submitter. Criteria: Invitae Variant Classification Sherloc (09022015). Collection method: clinical testing. Allele origin: germline.
Comment: This variant has not been reported in the literature in individuals affected with GLA-related conditions. This sequence change creates a premature translational stop signal (p.Ile154Leufs*11) in the GLA gene. It is expected to result in an absent or disrupted protein product. Loss-of-function variants in GLA are known to be pathogenic (PMID: 10666480, 12175777). This variant is not present in population databases (gnomAD no frequency). ClinVar contains an entry for this variant (Variation ID: 1323007). For these reasons, this variant has been classified as Pathogenic.

Revvity Omics, Revvity
Classification: Pathogenic. Last evaluated: 2019-09-20. Review status: criteria provided, single submitter. Criteria: ACMG Guidelines, 2015. Collection method: clinical testing. Allele origin: germline.

Literature cited by the submitters: PubMed 10666480 (cited by Labcorp Genetics (formerly Invitae), Labcorp); PubMed 12175777 (cited by Labcorp Genetics (formerly Invitae), Labcorp).

NM_000169.3(GLA):c.460del (p.Ile154fs)

Genes: GLA (galactosidase alpha; minus strand), RPL36A-HNRNPH2 (RPL36A-HNRNPH2 readthrough; plus strand). Cytogenetic location: Xq22.1.
Variant type: Deletion.
Coding change: c.460del on transcript NM_000169.3 (MANE Select); coding-DNA position 460, one base deleted (A; older notation c.460delA).
Protein change: p.Ile154fs; shifts the reading frame from isoleucine 154.
Molecular consequence: frameshift variant. On other transcripts: non-coding transcript variant (3), intron variant (2).
Genome position (GRCh38, 1-based): chrX:101,401,719, T deleted on the plus strand (A on the coding strand, the reverse complement: GLA is on the minus strand). VCF-style (leftmost placement, unchanged base first): chrX-101401718-AT-A. GRCh37 (hg19) VCF-style: chrX-100656706-AT-A.
Other names: c.460delA, p.Ile154Leufs (NM_000169.2); c.583del, p.Ile195fs (NM_001406747.1, NM_001406749.1); c.460del, p.Ile154fs (NM_001406748.1); c.300+6262del (NM_001199973.2); c.177+9897del (NM_001199974.2); short protein forms I154fs, I195fs.
Identifiers: ClinVar variation 1323007 (VCV001323007.9), dbSNP rs2147477583, ClinGen allele CA2573055057.